The following is an entry in ClinVar:

NM_001387430.1(SH2B1):c.718T>C (p.Leu240=)

Gene: SH2B1 (SH2B adaptor protein 1; plus strand). Cytogenetic location: 16p11.2.
Variant type: single nucleotide variant.
Coding change: c.718T>C on transcript NM_001387430.1 (MANE Select); coding-DNA position 718, T replaced by C.
Protein change: p.Leu240=; no amino-acid change (leucine 240 retained).
Molecular consequence: synonymous variant. On other transcripts: intron variant (1).
Genome position (GRCh38, 1-based): chr16:28,866,812, T>C. VCF-style: chr16-28866812-T-C. GRCh37 (hg19) VCF-style: chr16-28878133-T-C.
Other names: c.718T>C, p.Leu240= (NM_001145795.2, NM_001145796.2, NM_001145797.2 and 4 more transcripts); c.-26-562T>C (NM_001308294.2).
Identifiers: ClinVar variation 4999926 (VCV004999926.1).

ClinVar aggregate classification (germline): Likely benign (1 of 4 stars; one submission).

Conditions:
SH2B1-related disorder. Also called: SH2B1-related condition.

Submission:

PreventionGenetics, part of Exact Sciences
Classification: Likely benign for SH2B1-related condition. Last evaluated: 2024-12-14. Review status: criteria provided, single submitter. Criteria: ACMG Guidelines, 2015. Collection method: clinical testing. Allele origin: germline.
Comment: This variant is classified as likely benign based on ACMG/AMP sequence variant interpretation guidelines (Richards et al. 2015 PMID: 25741868, with internal and published modifications).